The following is an entry in ClinVar:

NM_000478.6(ALPL):c.18del (p.Val7fs)

Gene: ALPL (alkaline phosphatase, biomineralization associated; plus strand). Cytogenetic location: 1p36.12.
Variant type: Deletion.
Coding change: c.18del on transcript NM_000478.6 (MANE Select); coding-DNA position 18, one base deleted (A; older notation c.18delA).
Protein change: p.Val7fs; shifts the reading frame from valine 7.
Molecular consequence: frameshift variant. On other transcripts: intron variant (2).
Genome position (GRCh38, 1-based): chr1:21,554,099, A deleted. VCF-style (leftmost placement, unchanged base first): chr1-21554098-TA-T. GRCh37 (hg19) VCF-style: chr1-21880591-TA-T.
Other names: c.18del, p.Val7fs (NM_001369803.2, NM_001369804.2, NM_001369805.2); c.-104-6527del (NM_001127501.4); c.-54-6527del (NM_001177520.3); short protein forms V7fs.
Identifiers: ClinVar variation 518424 (VCV000518424.9), dbSNP rs1558543066, ClinGen allele CA658820987.
Genomic context (GRCh38, chr1:21,554,098, plus strand): 5'-TGCATCTCTGGGCTCCAGGGATAAAGCAGGTCTTGGGGTGCACCATGATTTCACCATTCT[TA>T]GTACTGGCCATTGGCACCTGCCTTACTAACTCCTTAGTGCCAGGTATGCTTGGGGACACA-3'

ClinVar aggregate classification (germline): Pathogenic. Review status: criteria provided, multiple submitters, no conflicts (2 of 4 stars). 5 submissions from 5 submitters: Pathogenic (4). 1 of the submissions does not count toward it. Last evaluated 2025-08-29.

Conditions:
Childhood hypophosphatasia. Identifiers: Orphanet 247667, Orphanet 436, MedGen C0220743, MONDO:1010168, OMIM 241510, MONDO:0009428.
Infantile hypophosphatasia. Identifiers: Orphanet 247651, Orphanet 436, MedGen C0268412, MONDO:1010169, OMIM 241500, MONDO:0009427.
Adult hypophosphatasia. Identifiers: Orphanet 247676, Orphanet 436, MedGen C0268413, MONDO:1010154, OMIM 146300, MONDO:0007798.
Hypophosphatasia. Also called: Phosphoethanol-aminuria. Identifiers: Orphanet 436, MedGen C0020630, MeSH D007014, MONDO:0018570.

Submissions (5):

Genomenon, Inc
Classification: Pathogenic for Hypophosphatasia. Last evaluated: 2025-08-29. Review status: criteria provided, single submitter. Criteria: Genomenon Sequence Variant Interpretation Standards. Collection method: curation. Allele origin: germline. Affected: yes.
Comment: ALPL p.Val7TyrfsTer12 (c.18del) is a frameshift variant that results in the production of a truncated protein that may be subject to nonsense-mediated mRNA decay. This variant has been observed in at least one proband affected with hypophosphatasia (PMID:36427976;22913777). It is absent or not present at a significant frequency in gnomAD. In conclusion, we classify ALPL p.Val7TyrfsTer12 (c.18del) as a pathogenic variant.

Baylor Genetics
Classification: Pathogenic for Adult hypophosphatasia. Last evaluated: 2024-02-29. Review status: criteria provided, single submitter. Criteria: ACMG Guidelines, 2015. Collection method: clinical testing. Allele origin: unknown.

Women's Health and Genetics/Laboratory Corporation of America, LabCorp
Classification: Pathogenic for Hypophosphatasia. Last evaluated: 2021-09-04. Review status: criteria provided, single submitter. Criteria: LabCorp Variant Classification Summary - May 2015. Collection method: clinical testing. Allele origin: germline.
Comment: Variant summary: ALPL c.18delA (p.Val7TyrfsX12) results in a premature termination codon, predicted to cause a truncation of the encoded protein or absence of the protein due to nonsense mediated decay, which are commonly known mechanisms for disease. Truncations downstream of this position have been classified as pathogenic by our laboratory. The variant was absent in 251486 control chromosomes. c.18delA has been reported in the literature as a compound heterozygous genotype in at-least two individuals affected with Hypophosphatasia (example, Cui_2012, Zhu_2020). To our knowledge, no experimental evidence demonstrating an impact on protein function has been reported. One clinical diagnostic laboratory has submitted clinical-significance assessments for this variant to ClinVar after 2014 without evidence for independent evaluation and classified the variant as pathogenic. Based on the evidence outlined above, the variant was classified as pathogenic.

Juno Genomics, Hangzhou Juno Genomics, Inc
Classification: Pathogenic for Adult hypophosphatasia; Childhood hypophosphatasia; Infantile hypophosphatasia. Review status: criteria provided, single submitter. Criteria: ACMG Guidelines, 2015. Collection method: clinical testing. Allele origin: germline.
Comment: Null variant in a gene where loss of function (LOF) is a known mechanism of disease.;Absent from controls (or at extremely low frequency if recessive) in Genome Aggregation Database.;Patient's phenotype or family history is highly specific for a disease with a single genetic etiology.

Children's Hospital of Soochow University, Soochow University
Classification: Pathogenic for Infantile hypophosphatasia. Last evaluated: 2018-02-26. Review status: no assertion criteria provided. Collection method: clinical testing. Allele origin: maternal. Inheritance: Autosomal recessive inheritance. Affected: yes. Observed: 1 variant allele, 1 compound heterozygote. Not counted in ClinVar's aggregate classification.

Literature cited by the submitters: PubMed 36427976 (cited by Genomenon, Inc); PubMed 22913777 (cited by Genomenon, Inc and Women's Health and Genetics/Laboratory Corporation of America, LabCorp); PubMed 33240318 (cited by Women's Health and Genetics/Laboratory Corporation of America, LabCorp).